The following is an entry in ClinVar:

ClinVar aggregate classification (germline): Uncertain significance (1 of 4 stars; one submission).

Submission:

GeneDx
Classification: Uncertain significance. Last evaluated: 2024-04-15. Review status: criteria provided, single submitter. Criteria: GeneDx Variant Classification Process June 2021. Collection method: clinical testing. Allele origin: germline. Affected: yes.
Comment: Not observed at significant frequency in large population cohorts (gnomAD); In silico analysis supports that this missense variant has a deleterious effect on protein structure/function; Has not been previously published as pathogenic or benign to our knowledge

NM_170606.3(KMT2C):c.7211A>C (p.Gln2404Pro)

Gene: KMT2C (lysine methyltransferase 2C; minus strand). Cytogenetic location: 7q36.1.
Variant type: single nucleotide variant.
Coding change: c.7211A>C on transcript NM_170606.3 (MANE Select); coding-DNA position 7211, A replaced by C.
Protein change: p.Gln2404Pro; replaces glutamine 2404 with proline.
Molecular consequence: missense variant.
Genome position (GRCh38, 1-based): chr7:152,180,065, T>G on the plus strand (A>C on the coding strand, the complement: KMT2C is on the minus strand). VCF-style: chr7-152180065-T-G. GRCh37 (hg19) VCF-style: chr7-151877150-T-G.
Other names: short protein forms Q2404P.
Identifiers: ClinVar variation 3372342 (VCV003372342.1).